The following is an entry in ClinVar:

NM_001101426.4(CRPPA):c.874_886del (p.Glu292fs)

Gene: CRPPA (CDP-L-ribitol pyrophosphorylase A; minus strand). Cytogenetic location: 7p21.2.
Variant type: Deletion.
Coding change: c.874_886del on transcript NM_001101426.4 (MANE Select); coding-DNA positions 874 to 886, 13 bases deleted (GAAGAAGATAACA).
Protein change: p.Glu292fs; shifts the reading frame from glutamic acid 292.
Molecular consequence: frameshift variant. On other transcripts: non-coding transcript variant (1).
Genome position (GRCh38, 1-based): chr7:16,278,176-16,278,188, TGTTATCTTCTTC deleted on the plus strand (GAAGAAGATAACA on the coding strand, the reverse complement: CRPPA is on the minus strand); deleting any 13 consecutive bases within chr7:16,278,176-16,278,191 gives the same sequence; the c. name uses the placement nearest the transcript's 3' end. VCF-style (leftmost placement, unchanged base first): chr7-16278175-TTGTTATCTTCTTC-T. GRCh37 (hg19) VCF-style: chr7-16317800-TTGTTATCTTCTTC-T.
Other names: c.724_736del, p.Glu242fs (NM_001101417.4); c.769_781del, p.Glu257fs (NM_001368197.1); c.874_886del (NM_001101426.3); short protein forms E242fs, E257fs, E292fs.
Identifiers: ClinVar variation 473159 (VCV000473159.10), dbSNP rs1554305719, ClinGen allele CA658657661.
Genomic context (GRCh38, chr7:16,278,175, plus strand): 5'-CTTTGAATACTTACATTTAATTCACTTTTCAGCACTTCTTCAAGAAGATGACCTACATGT[TTGTTATCTTCTTC>T]TGTATCCATAACTACACAAATCTCTTGGGAAATTCTCTCTGAAATTAAAAAAAAAAAGTT-3'

ClinVar aggregate classification (germline): Pathogenic (1 of 4 stars; one submission).

Conditions:
Autosomal recessive limb-girdle muscular dystrophy type 2U. Also called: MUSCULAR DYSTROPHY, LIMB-GIRDLE, TYPE 2U; Muscular dystrophy-dystroglycanopathy (limb-girdle), type c, 7. Identifiers: Orphanet 352479, MedGen C5190987, MONDO:0014474, OMIM 616052.
Muscular dystrophy-dystroglycanopathy (congenital with brain and eye anomalies), type A, 7. Also called: WALKER-WARBURG SYNDROME OR MUSCLE-EYE-BRAIN DISEASE, ISPD-RELATED; Congenital muscular dystrophy-dystroglycanopathy with brain and eye anomalies, type A7. Identifiers: Orphanet 899, MedGen C3553330, MONDO:0013835, OMIM 614643.

Submission:

Labcorp Genetics (formerly Invitae), Labcorp
Classification: Pathogenic for Muscular dystrophy-dystroglycanopathy (congenital with brain and eye anomalies), type A, 7; Autosomal recessive limb-girdle muscular dystrophy type 2U. Last evaluated: 2023-07-12. Review status: criteria provided, single submitter. Criteria: Invitae Variant Classification Sherloc (09022015). Collection method: clinical testing. Allele origin: germline.
Comment: For these reasons, this variant has been classified as Pathogenic. ClinVar contains an entry for this variant (Variation ID: 473159). This variant has not been reported in the literature in individuals affected with ISPD-related conditions. This variant is not present in population databases (gnomAD no frequency). This sequence change creates a premature translational stop signal (p.Glu292Asnfs*3) in the ISPD gene. It is expected to result in an absent or disrupted protein product. Loss-of-function variants in ISPD are known to be pathogenic (PMID: 23288328).

Literature cited by the submitters: PubMed 23288328.